The following is an entry in ClinVar:

ClinVar aggregate classification (germline): Uncertain significance (1 of 4 stars; one submission).

Submission:

Labcorp Genetics (formerly Invitae), Labcorp
Classification: Uncertain significance. Last evaluated: 2022-04-18. Review status: criteria provided, single submitter. Criteria: Invitae Variant Classification Sherloc (09022015). Collection method: clinical testing. Allele origin: germline.
Comment: This sequence change replaces serine, which is neutral and polar, with alanine, which is neutral and non-polar, at codon 794 of the SLC12A6 protein (p.Ser794Ala). This variant is not present in population databases (gnomAD no frequency). This variant has not been reported in the literature in individuals affected with SLC12A6-related conditions. Advanced modeling of protein sequence and biophysical properties (such as structural, functional, and spatial information, amino acid conservation, physicochemical variation, residue mobility, and thermodynamic stability) performed at Invitae indicates that this missense variant is not expected to disrupt SLC12A6 protein function. In summary, the available evidence is currently insufficient to determine the role of this variant in disease. Therefore, it has been classified as a Variant of Uncertain Significance.

NM_001365088.1(SLC12A6):c.2380T>G (p.Ser794Ala)

Gene: SLC12A6 (solute carrier family 12 member 6; minus strand). Cytogenetic location: 15q14.
Variant type: single nucleotide variant.
Coding change: c.2380T>G on transcript NM_001365088.1 (MANE Select); coding-DNA position 2380, T replaced by G.
Protein change: p.Ser794Ala; replaces serine 794 with alanine.
Molecular consequence: missense variant.
Genome position (GRCh38, 1-based): chr15:34,240,717, A>C on the plus strand (T>G on the coding strand, the complement: SLC12A6 is on the minus strand). VCF-style: chr15-34240717-A-C. GRCh37 (hg19) VCF-style: chr15-34532918-A-C.
Other names: c.2203T>G, p.Ser735Ala (NM_001042494.2, NM_001042495.2); c.2353T>G, p.Ser785Ala (NM_001042496.2); c.2335T>G, p.Ser779Ala (NM_001042497.2); c.2227T>G, p.Ser743Ala (NM_005135.2); c.2380T>G, p.Ser794Ala (NM_133647.2); short protein forms S735A, S779A, S785A, S794A, S743A.
Identifiers: ClinVar variation 2178093 (VCV002178093.1), dbSNP rs2509761483, ClinGen allele CA391619664.
Genomic context (GRCh38, chr15:34,240,717, plus strand): 5'-TTACCTGCTCAGCAGCTAAAGCTTCACCGTAGTTCTCTAGGAAGTTCCCCACGATGACAG[A>C]GCCCACAATAGTGAGACCTTTTCCTGCTTTGAGCTGTGAGGCAAAGGTGAGGAGGCGAGG-3'
Protein context (NP_001352017.1, residues 784-804): KAGKGLTIVG[Ser794Ala]VIVGNFLENY